The following is an entry in ClinVar:

NM_006618.5(KDM5B):c.1197+8C>T

Gene: KDM5B (lysine demethylase 5B; minus strand). Cytogenetic location: 1q32.1.
Variant type: single nucleotide variant.
Coding change: c.1197+8C>T on transcript NM_006618.5 (MANE Select); 8 bases into the intron after coding-DNA position 1197, C replaced by T.
Molecular consequence: intron variant.
Genome position (GRCh38, 1-based): chr1:202,758,383, G>A on the plus strand (C>T on the coding strand, the complement: KDM5B is on the minus strand). VCF-style: chr1-202758383-G-A. GRCh37 (hg19) VCF-style: chr1-202727511-G-A.
Other names: c.1182+8C>T (NM_001399817.1); c.1062+8C>T (NM_001347591.2); c.1305+8C>T (NM_001314042.2).
Identifiers: ClinVar variation 3049004 (VCV003049004.2), dbSNP rs200551702, ClinGen allele CA1334786.

ClinVar aggregate classification (germline): Likely benign (0 of 4 stars; one submission).

Conditions:
KDM5B-related disorder. Also called: KDM5B-related condition.

Allele frequency attached by ClinVar (database versions not stated): gnomAD exomes 0.00018; ExAC 0.00049; 1000 Genomes Project 0.00100; 1000 Genomes Project 30x 0.00125; ESP Exome Variant Server 0.00154; TOPMed 0.00194; gnomAD 0.00195.
gnomAD v4.1: 571 of 1,607,070 alleles (0.036%); highest among the groups gnomAD compares: African/African-American, 0.66%; 2 homozygotes.

Submission:

PreventionGenetics, part of Exact Sciences
Classification: Likely benign for KDM5B-related condition. Last evaluated: 2019-12-03. Review status: no assertion criteria provided. Collection method: clinical testing. Allele origin: germline.
Comment: This variant is classified as likely benign based on ACMG/AMP sequence variant interpretation guidelines (Richards et al. 2015 PMID: 25741868, with internal and published modifications).